The following is an entry in ClinVar:

NM_015295.3(SMCHD1):c.244A>G (p.Ile82Val)

Gene: SMCHD1 (structural maintenance of chromosomes flexible hinge domain containing 1; plus strand). Cytogenetic location: 18p11.32.
Variant type: single nucleotide variant.
Coding change: c.244A>G on transcript NM_015295.3 (MANE Select); coding-DNA position 244, A replaced by G.
Protein change: p.Ile82Val; replaces isoleucine 82 with valine.
Molecular consequence: missense variant.
Genome position (GRCh38, 1-based): chr18:2,666,214, A>G. VCF-style: chr18-2666214-A-G. GRCh37 (hg19) VCF-style: chr18-2666213-A-G.
Other names: short protein forms I82V.
Identifiers: ClinVar variation 286192 (VCV000286192.19), dbSNP rs181045631, ClinGen allele CA8870497.

ClinVar aggregate classification (germline): Uncertain significance. Review status: criteria provided, multiple submitters, no conflicts (2 of 4 stars). 4 submissions from 4 submitters: Uncertain significance (4). Last evaluated 2026-01-12.

Conditions:
Inborn genetic diseases. Identifiers: MedGen C0950123, MeSH D030342.
Facioscapulohumeral muscular dystrophy 2 (FSHD2). Also called: FACIOSCAPULOHUMERAL MUSCULAR DYSTROPHY 2, DIGENIC; FSHD2, DIGENIC; MUSCULAR DYSTROPHY, FACIOSCAPULOHUMERAL, TYPE 1B. Identifiers: Orphanet 269, MedGen C1834671, MONDO:0008031, OMIM 158901.

Allele frequency attached by ClinVar (database versions not stated): gnomAD exomes 0.00002 and 0.00006; ExAC 0.00007; gnomAD 0.00007 and 0.00009; TOPMed 0.00030; 1000 Genomes Project 30x 0.00031; 1000 Genomes Project 0.00040.
gnomAD v4.1: 38 of 1,538,582 alleles (0.0025%); highest among the groups gnomAD compares: Admixed American, 0.059%; no homozygotes.

Submissions (4):

Labcorp Genetics (formerly Invitae), Labcorp
Classification: Uncertain significance for Facioscapulohumeral muscular dystrophy 2. Last evaluated: 2026-01-12. Review status: criteria provided, single submitter. Criteria: Invitae Variant Classification Sherloc (09022015). Collection method: clinical testing. Allele origin: germline.
Comment: This sequence change replaces isoleucine, which is neutral and non-polar, with valine, which is neutral and non-polar, at codon 82 of the SMCHD1 protein (p.Ile82Val). This variant is present in population databases (rs181045631, gnomAD 0.04%). This variant has not been reported in the literature in individuals affected with SMCHD1-related conditions. ClinVar contains an entry for this variant (Variation ID: 286192). Invitae Evidence Modeling of protein sequence and biophysical properties (such as structural, functional, and spatial information, amino acid conservation, physicochemical variation, residue mobility, and thermodynamic stability) indicates that this missense variant is not expected to disrupt SMCHD1 protein function with a negative predictive value of 80%. In summary, the available evidence is currently insufficient to determine the role of this variant in disease. Therefore, it has been classified as a Variant of Uncertain Significance.

Ambry Genetics
Classification: Uncertain significance for Inborn genetic diseases. Last evaluated: 2024-07-07. Review status: criteria provided, single submitter. Criteria: Ambry Variant Classification Scheme 2023. Collection method: clinical testing. Allele origin: germline.

Revvity Omics, Revvity
Classification: Uncertain significance. Last evaluated: 2020-09-18. Review status: criteria provided, single submitter. Criteria: ACMG Guidelines, 2015. Collection method: clinical testing. Allele origin: germline.

Eurofins Ntd Llc (ga)
Classification: Uncertain significance. Last evaluated: 2016-02-18. Review status: criteria provided, single submitter. Criteria: EGL Classification Definitions 2015. Collection method: clinical testing. Allele origin: germline. Observed: 2 variant alleles, 2 heterozygotes.